The following is an entry in ClinVar:

ClinVar aggregate classification (germline): Uncertain significance. Review status: criteria provided, multiple submitters, no conflicts (2 of 4 stars). 5 submissions from 5 submitters: Uncertain significance (4). 1 of the submissions does not count toward it. Last evaluated 2025-12-17.

Conditions:
Colorectal cancer, susceptibility to, 12 (CRCS12). Also called: COLORECTAL CANCER, SUSCEPTIBILITY TO, ON CHROMOSOME 12q24. Identifiers: Orphanet 220460, MedGen C3554460, MONDO:0014038, OMIM 615083.
Hereditary cancer-predisposing syndrome. Also called: Hereditary neoplastic syndrome; Tumor predisposition; Neoplastic Syndromes, Hereditary; Hereditary Cancer Syndrome. Identifiers: Orphanet 140162, MedGen C0027672, MeSH D009386, MONDO:0015356.

Allele frequency attached by ClinVar (database versions not stated): gnomAD exomes below 0.00001; ExAC 0.00002; gnomAD 0.00004 and 0.00005; TOPMed 0.00004.
gnomAD v4.1: 9 of 1,614,014 alleles (0.00056%); highest among the groups gnomAD compares: African/African-American, 0.011%; no homozygotes.

Submissions (5):

Labcorp Genetics (formerly Invitae), Labcorp
Classification: Uncertain significance. Last evaluated: 2025-12-17. Review status: criteria provided, single submitter. Criteria: Invitae Variant Classification Sherloc (09022015). Collection method: clinical testing. Allele origin: germline.
Comment: This sequence change replaces alanine, which is neutral and non-polar, with serine, which is neutral and polar, at codon 653 of the POLE protein (p.Ala653Ser). This variant is present in population databases (rs751451482, gnomAD 0.02%). This variant has not been reported in the literature in individuals affected with POLE-related conditions. ClinVar contains an entry for this variant (Variation ID: 421176). Invitae Evidence Modeling of protein sequence and biophysical properties (such as structural, functional, and spatial information, amino acid conservation, physicochemical variation, residue mobility, and thermodynamic stability) indicates that this missense variant is not expected to disrupt POLE protein function with a negative predictive value of 80%. In summary, the available evidence is currently insufficient to determine the role of this variant in disease. Therefore, it has been classified as a Variant of Uncertain Significance.

Ambry Genetics
Classification: Uncertain significance for Hereditary cancer-predisposing syndrome. Last evaluated: 2025-02-26. Review status: criteria provided, single submitter. Criteria: Ambry Variant Classification Scheme 2023. Collection method: clinical testing. Allele origin: germline.
Comment: The p.A653S variant (also known as c.1957G>T), located in coding exon 18 of the POLE gene, results from a G to T substitution at nucleotide position 1957. The alanine at codon 653 is replaced by serine, an amino acid with similar properties. This amino acid position is conserved. In addition, this alteration is predicted to be tolerated by in silico analysis. Based on the available evidence, the clinical significance of this variant remains unclear.

GeneDx
Classification: Uncertain significance. Last evaluated: 2023-02-21. Review status: criteria provided, single submitter. Criteria: GeneDx Variant Classification Process June 2021. Collection method: clinical testing. Allele origin: germline. Affected: yes.
Comment: In silico analysis supports that this missense variant does not alter protein structure/function; Has not been previously published as pathogenic or benign to our knowledge

Laboratory for Molecular Medicine, Mass General Brigham Personalized Medicine
Classification: Uncertain significance. Last evaluated: 2016-12-08. Review status: criteria provided, single submitter. Criteria: LMM Criteria. Collection method: clinical testing. Allele origin: germline. Observed: 1 variant allele.
Comment: The p.Ala653Ser variant in POLE has not been previously reported in individuals with colorectal cancer, but has been identified in 2/10378 African chromosomes b y the Exome Aggregation Consortium (ExAC; dbSNP rs751451482). Computational prediction tools and conservation analysis do not pr ovide strong support for or against an impact to the protein. In summary, the cl inical significance of the p.Ala635Ser variant is uncertain

Counsyl
Classification: Uncertain significance for Colorectal cancer, susceptibility to, 12. Last evaluated: 2018-03-19. Review status: no assertion criteria provided. Collection method: clinical testing. Allele origin: unknown. Not counted in ClinVar's aggregate classification.

NM_006231.4(POLE):c.1957G>T (p.Ala653Ser)

Gene: POLE (DNA polymerase epsilon, catalytic subunit; minus strand). Cytogenetic location: 12q24.33.
Variant type: single nucleotide variant.
Coding change: c.1957G>T on transcript NM_006231.4 (MANE Select); coding-DNA position 1957, G replaced by T.
Protein change: p.Ala653Ser; replaces alanine 653 with serine.
Molecular consequence: missense variant.
Genome position (GRCh38, 1-based): chr12:132,668,704, C>A on the plus strand (G>T on the coding strand, the complement: POLE is on the minus strand). VCF-style: chr12-132668704-C-A. GRCh37 (hg19) VCF-style: chr12-133245290-C-A.
Other names: short protein forms A653S.
Identifiers: ClinVar variation 421176 (VCV000421176.20), dbSNP rs751451482, ClinGen allele CA6893748.
Genomic context (GRCh38, chr12:132,668,704, plus strand): 5'-CCCTCCACTGCCAGGCCATCTTCCGCTGGCAGTTTGCTCCAGGCTTATTGAAGTCACAGG[C>A]AGCACAGGTGGCTTCGTCCACCATGGCAGAGGGCTGGGAGGGGTGAGAAAGCACTTAGGG-3'
Protein context (NP_006222.2, residues 643-663): SAMVDEATCA[Ala653Ser]CDFNKPGANC